The following is an entry in ClinVar:

ClinVar aggregate classification (germline): Pathogenic (1 of 4 stars; one submission).

Allele frequency attached by ClinVar (database versions not stated): TOPMed below 0.00001; gnomAD 0.00001.

Submission:

Labcorp Genetics (formerly Invitae), Labcorp
Classification: Pathogenic. Last evaluated: 2022-03-29. Review status: criteria provided, single submitter. Criteria: Invitae Variant Classification Sherloc (09022015). Collection method: clinical testing. Allele origin: germline.
Comment: For these reasons, this variant has been classified as Pathogenic. This variant has not been reported in the literature in individuals affected with GPR179-related conditions. This variant is not present in population databases (gnomAD no frequency). This sequence change creates a premature translational stop signal (p.Glu120*) in the GPR179 gene. It is expected to result in an absent or disrupted protein product. Loss-of-function variants in GPR179 are known to be pathogenic (PMID: 22325361, 22325362).

Literature cited by the submitters: PubMed 22325361; PubMed 22325362.

NM_001004334.4(GPR179):c.357dup (p.Glu120Ter)

Gene: GPR179 (G protein-coupled receptor 179; minus strand). Cytogenetic location: 17q12.
Variant type: Duplication.
Coding change: c.357dup on transcript NM_001004334.4 (MANE Select); coding-DNA position 357, one base duplicated (T; older notation c.357dupT).
Protein change: p.Glu120Ter; replaces glutamic acid 120 with a stop codon.
Molecular consequence: nonsense.
Genome position (GRCh38, 1-based): chr17:38,343,433, A duplicated on the plus strand (T on the coding strand, the reverse complement: GPR179 is on the minus strand). VCF-style (leftmost placement, unchanged base first): chr17-38343432-C-CA. GRCh37 (hg19) VCF-style: chr17-36499315-C-CA.
Other names: short protein forms E120*.
Identifiers: ClinVar variation 2102665 (VCV002102665.4), dbSNP rs934214433, ClinGen allele CA290111705.